The following is an entry in ClinVar:

NM_001805.4(CEBPE):c.511G>A (p.Ala171Thr)

Gene: CEBPE (CCAAT enhancer binding protein epsilon; minus strand). Cytogenetic location: 14q11.2.
Variant type: single nucleotide variant.
Coding change: c.511G>A on transcript NM_001805.4 (MANE Select); coding-DNA position 511, G replaced by A.
Protein change: p.Ala171Thr; replaces alanine 171 with threonine.
Molecular consequence: missense variant.
Genome position (GRCh38, 1-based): chr14:23,117,822, C>T on the plus strand (G>A on the coding strand, the complement: CEBPE is on the minus strand). VCF-style: chr14-23117822-C-T. GRCh37 (hg19) VCF-style: chr14-23587031-C-T.
Other names: short protein forms A171T.
Identifiers: ClinVar variation 3667314 (VCV003667314.1).

ClinVar aggregate classification (germline): Uncertain significance (1 of 4 stars; one submission).

Conditions:
Specific granule deficiency. Identifiers: Orphanet 169142, MedGen C0398593, MONDO:0009506.

Submission:

Labcorp Genetics (formerly Invitae), Labcorp
Classification: Uncertain significance for Specific granule deficiency. Last evaluated: 2024-07-31. Review status: criteria provided, single submitter. Criteria: Invitae Variant Classification Sherloc (09022015). Collection method: clinical testing. Allele origin: germline.
Comment: This sequence change replaces alanine, which is neutral and non-polar, with threonine, which is neutral and polar, at codon 171 of the CEBPE protein (p.Ala171Thr). This variant is not present in population databases (gnomAD no frequency). This variant has not been reported in the literature in individuals affected with CEBPE-related conditions. An algorithm developed to predict the effect of missense changes on protein structure and function (PolyPhen-2) suggests that this variant¬†is likely to be tolerated. In summary, the available evidence is currently insufficient to determine the role of this variant in disease. Therefore, it has been classified as a Variant of Uncertain Significance.